The following is an entry in ClinVar:

NM_001244008.2(KIF1A):c.4127A>G (p.Glu1376Gly)

Gene: KIF1A (kinesin family member 1A; minus strand). Cytogenetic location: 2q37.3.
Variant type: single nucleotide variant.
Coding change: c.4127A>G on transcript NM_001244008.2 (MANE Select); coding-DNA position 4127, A replaced by G.
Protein change: p.Glu1376Gly; replaces glutamic acid 1376 with glycine.
Molecular consequence: missense variant.
Genome position (GRCh38, 1-based): chr2:240,725,400, T>C on the plus strand (A>G on the coding strand, the complement: KIF1A is on the minus strand). VCF-style: chr2-240725400-T-C. GRCh37 (hg19) VCF-style: chr2-241664817-T-C.
Other names: c.3851A>G, p.Glu1284Gly (NM_001320705.2, NM_001379649.1); c.3878A>G, p.Glu1293Gly (NM_001330289.2); c.3926A>G, p.Glu1309Gly (NM_001330290.2, NM_001379648.1); c.4202A>G, p.Glu1401Gly (NM_001379631.1); c.4103A>G, p.Glu1368Gly (NM_001379632.1); c.4100A>G, p.Glu1367Gly (NM_001379633.1, NM_001379645.1); c.3953A>G, p.Glu1318Gly (NM_001379634.1); c.3950A>G, p.Glu1317Gly (NM_001379635.1, NM_001379646.1); and 7 more; short protein forms E1274G, E1275G, E1283G, E1284G, E1292G, E1293G, E1300G, E1309G.
Identifiers: ClinVar variation 3749810 (VCV003749810.2).

ClinVar aggregate classification (germline): Uncertain significance (1 of 4 stars; one submission).

Conditions:
Neuropathy, hereditary sensory, type 2C. Also called: KIF1A-Related HSAN2 (HSAN2C); Hereditary sensory and autonomic neuropathy type IIC. Identifiers: Orphanet 970, MedGen C3280168, MONDO:0013634, OMIM 614213.
Hereditary spastic paraplegia 30. Identifiers: Orphanet 101010, MedGen C5235139, MONDO:0012476.
Intellectual disability, autosomal dominant 9 (NESCAVS). Also called: KIF1A-Related Neurodevelopmental Disorder; NESCAV SYNDROME. Identifiers: Orphanet 662367, MedGen C5393830, MONDO:0013656, OMIM 614255.

gnomAD v4.1: 3 of 1,612,210 alleles (0.00019%); highest among the groups gnomAD compares: South Asian, 0.0022%; no homozygotes.

Submission:

Labcorp Genetics (formerly Invitae), Labcorp
Classification: Uncertain significance for Hereditary spastic paraplegia 30; Neuropathy, hereditary sensory, type 2C; Intellectual disability, autosomal dominant 9. Last evaluated: 2024-04-13. Review status: criteria provided, single submitter. Criteria: Invitae Variant Classification Sherloc (09022015). Collection method: clinical testing. Allele origin: germline.
Comment: This sequence change replaces glutamic acid, which is acidic and polar, with glycine, which is neutral and non-polar, at codon 1275 of the KIF1A protein (p.Glu1275Gly). This variant is not present in population databases (gnomAD no frequency). This variant has not been reported in the literature in individuals affected with KIF1A-related conditions. Advanced modeling of protein sequence and biophysical properties (such as structural, functional, and spatial information, amino acid conservation, physicochemical variation, residue mobility, and thermodynamic stability) performed at Invitae indicates that this missense variant is not expected to disrupt KIF1A protein function with a negative predictive value of 95%. In summary, the available evidence is currently insufficient to determine the role of this variant in disease. Therefore, it has been classified as a Variant of Uncertain Significance.